The following is an entry in ClinVar:

NM_012469.4(PRPF6):c.1166A>C (p.Lys389Thr)

Gene: PRPF6 (pre-mRNA processing factor 6; plus strand). Cytogenetic location: 20q13.33.
Variant type: single nucleotide variant.
Coding change: c.1166A>C on transcript NM_012469.4 (MANE Select); coding-DNA position 1166, A replaced by C.
Protein change: p.Lys389Thr; replaces lysine 389 with threonine.
Molecular consequence: missense variant.
Genome position (GRCh38, 1-based): chr20:64,001,219, A>C. VCF-style: chr20-64001219-A-C. GRCh37 (hg19) VCF-style: chr20-62632572-A-C.
Other names: c.1166A>C (NM_012469.3); short protein forms K389T.
Identifiers: ClinVar variation 1019279 (VCV001019279.9), dbSNP rs2059164868, ClinGen allele CA409721196.

ClinVar aggregate classification (germline): Uncertain significance. Review status: criteria provided, multiple submitters, no conflicts (2 of 4 stars). 2 submissions from 2 submitters: Uncertain significance (2). Last evaluated 2025-09-05.

Allele frequency attached by ClinVar (database versions not stated): TOPMed below 0.00001.

Submissions (2):

Ambry Genetics
Classification: Uncertain significance. Last evaluated: 2025-09-05. Review status: criteria provided, single submitter. Criteria: Ambry Variant Classification Scheme 2023. Collection method: clinical testing. Allele origin: germline.

Labcorp Genetics (formerly Invitae), Labcorp
Classification: Uncertain significance. Last evaluated: 2024-10-24. Review status: criteria provided, single submitter. Criteria: Invitae Variant Classification Sherloc (09022015). Collection method: clinical testing. Allele origin: germline.
Comment: This sequence change replaces lysine, which is basic and polar, with threonine, which is neutral and polar, at codon 389 of the PRPF6 protein (p.Lys389Thr). This variant is not present in population databases (gnomAD no frequency). This variant has not been reported in the literature in individuals affected with PRPF6-related conditions. ClinVar contains an entry for this variant (Variation ID: 1019279). Invitae Evidence Modeling of protein sequence and biophysical properties (such as structural, functional, and spatial information, amino acid conservation, physicochemical variation, residue mobility, and thermodynamic stability) indicates that this missense variant is not expected to disrupt PRPF6 protein function with a negative predictive value of 80%. In summary, the available evidence is currently insufficient to determine the role of this variant in disease. Therefore, it has been classified as a Variant of Uncertain Significance.